The following is an entry in ClinVar:

NM_020971.3(SPTBN4):c.5259C>T (p.Pro1753=)

Gene: SPTBN4 (spectrin beta, non-erythrocytic 4; plus strand). Cytogenetic location: 19q13.2.
Variant type: single nucleotide variant.
Coding change: c.5259C>T on transcript NM_020971.3 (MANE Select); coding-DNA position 5259, C replaced by T.
Protein change: p.Pro1753=; no amino-acid change (proline 1753 retained).
Molecular consequence: synonymous variant.
Genome position (GRCh38, 1-based): chr19:40,556,258, C>T. VCF-style: chr19-40556258-C-T. GRCh37 (hg19) VCF-style: chr19-41062164-C-T.
Other names: c.1287C>T, p.Pro429= (NM_025213.3).
Identifiers: ClinVar variation 3034056 (VCV003034056.2), dbSNP rs372252125, ClinGen allele CA9446416.

ClinVar aggregate classification (germline): Likely benign (0 of 4 stars; one submission).

Conditions:
SPTBN4-related disorder. Also called: SPTBN4-related condition.

Allele frequency attached by ClinVar (database versions not stated): ExAC 0.00003; ESP Exome Variant Server 0.00008; gnomAD 0.00015; TOPMed 0.00019.
gnomAD v4.1: 57 of 1,612,784 alleles (0.0035%); highest among the groups gnomAD compares: African/African-American, 0.055%; no homozygotes.

Submission:

PreventionGenetics, part of Exact Sciences
Classification: Likely benign for SPTBN4-related condition. Last evaluated: 2019-06-17. Review status: no assertion criteria provided. Collection method: clinical testing. Allele origin: germline.
Comment: This variant is classified as likely benign based on ACMG/AMP sequence variant interpretation guidelines (Richards et al. 2015 PMID: 25741868, with internal and published modifications).